The following is an entry in ClinVar:

ClinVar aggregate classification (germline): Uncertain significance (1 of 4 stars; one submission).

Conditions:
Cardiovascular phenotype. Identifiers: MedGen CN230736.

gnomAD v4.1: 6 of 1,614,084 alleles (0.00037%); highest among the groups gnomAD compares: Non-Finnish European, 0.00034%; no homozygotes.

Submission:

Ambry Genetics
Classification: Uncertain significance for Cardiovascular phenotype. Last evaluated: 2025-03-23. Review status: criteria provided, single submitter. Criteria: Ambry Variant Classification Scheme 2023. Collection method: clinical testing. Allele origin: germline.
Comment: The p.D97N variant (also known as c.289G>A), located in coding exon 3 of the SCN2B gene, results from a G to A substitution at nucleotide position 289. The aspartic acid at codon 97 is replaced by asparagine, an amino acid with highly similar properties. This amino acid position is conserved. In addition, this alteration is predicted to be tolerated by in silico analysis. Based on the available evidence, the clinical significance of this variant remains unclear.

NM_004588.5(SCN2B):c.289G>A (p.Asp97Asn)

Gene: SCN2B (sodium voltage-gated channel beta subunit 2; minus strand). Cytogenetic location: 11q23.3.
Variant type: single nucleotide variant.
Coding change: c.289G>A on transcript NM_004588.5 (MANE Select); coding-DNA position 289, G replaced by A.
Protein change: p.Asp97Asn; replaces aspartic acid 97 with asparagine.
Molecular consequence: missense variant.
Genome position (GRCh38, 1-based): chr11:118,168,244, C>T on the plus strand (G>A on the coding strand, the complement: SCN2B is on the minus strand). VCF-style: chr11-118168244-C-T. GRCh37 (hg19) VCF-style: chr11-118038959-C-T.
Other names: short protein forms D97N.
Identifiers: ClinVar variation 3950933 (VCV003950933.1).